The following is an entry in ClinVar:

ClinVar aggregate classification (germline): Uncertain significance (1 of 4 stars; one submission).

Submission:

Labcorp Genetics (formerly Invitae), Labcorp
Classification: Uncertain significance. Last evaluated: 2025-03-16. Review status: criteria provided, single submitter. Criteria: Invitae Variant Classification Sherloc (09022015). Collection method: clinical testing. Allele origin: germline.
Comment: This sequence change creates a premature translational stop signal (p.Pro162Leufs*5) in the BCL11B gene. It is expected to result in an absent or disrupted protein product. However, the current clinical and genetic evidence is not sufficient to establish whether loss-of-function variants in BCL11B cause disease. This variant is not present in population databases (gnomAD no frequency). This variant has not been reported in the literature in individuals affected with BCL11B-related conditions. In summary, the available evidence is currently insufficient to determine the role of this variant in disease. Therefore, it has been classified as a Variant of Uncertain Significance.

NM_138576.4(BCL11B):c.485del (p.Pro162fs)

Gene: BCL11B (BCL11 transcription factor B; minus strand). Cytogenetic location: 14q32.2.
Variant type: Deletion.
Coding change: c.485del on transcript NM_138576.4 (MANE Select); coding-DNA position 485, one base deleted (C; older notation c.485delC).
Protein change: p.Pro162fs; shifts the reading frame from proline 162.
Molecular consequence: frameshift variant. On other transcripts: intron variant (2).
Genome position (GRCh38, 1-based): chr14:99,231,500, G deleted on the plus strand (C on the coding strand, the reverse complement: BCL11B is on the minus strand); the first of 3 consecutive G bases (chr14:99,231,500-99,231,502); deleting any one gives the same sequence. VCF-style (leftmost placement, unchanged base first): chr14-99231499-AG-A. GRCh37 (hg19) VCF-style: chr14-99697836-AG-A.
Other names: c.482del, p.Pro161fs (NM_001282237.2); c.424+25971del (NM_001282238.2); c.427+25971del (NM_022898.3); short protein forms P161fs, P162fs.
Identifiers: ClinVar variation 4714784 (VCV004714784.1).